The following is an entry in ClinVar:

ClinVar aggregate classification (germline): Pathogenic (1 of 4 stars; one submission).

gnomAD v4.1: 2 of 1,614,072 alleles (0.00012%); highest among the groups gnomAD compares: Non-Finnish European, 0.00017%; no homozygotes.

Submission:

Labcorp Genetics (formerly Invitae), Labcorp
Classification: Pathogenic. Last evaluated: 2022-10-05. Review status: criteria provided, single submitter. Criteria: Invitae Variant Classification Sherloc (09022015). Collection method: clinical testing. Allele origin: germline.
Comment: This sequence change creates a premature translational stop signal (p.Ser88*) in the MERTK gene. It is expected to result in an absent or disrupted protein product. Loss-of-function variants in MERTK are known to be pathogenic (PMID: 24265693, 29659094). This variant is present in population databases (no rsID available, gnomAD 0.007%). This variant has not been reported in the literature in individuals affected with MERTK-related conditions. For these reasons, this variant has been classified as Pathogenic.

Literature cited by the submitters: PubMed 24265693; PubMed 29659094.

NM_006343.3(MERTK):c.263C>G (p.Ser88Ter)

Gene: MERTK (MER proto-oncogene, tyrosine kinase; plus strand). Cytogenetic location: 2q13.
Variant type: single nucleotide variant.
Coding change: c.263C>G on transcript NM_006343.3 (MANE Select); coding-DNA position 263, C replaced by G.
Protein change: p.Ser88Ter; replaces serine 88 with a stop codon.
Molecular consequence: nonsense.
Genome position (GRCh38, 1-based): chr2:111,929,321, C>G. VCF-style: chr2-111929321-C-G. GRCh37 (hg19) VCF-style: chr2-112686898-C-G.
Other names: short protein forms S88*.
Identifiers: ClinVar variation 2114906 (VCV002114906.4), dbSNP rs372527246, ClinGen allele CA348226261.
Genomic context (GRCh38, chr2:111,929,321, plus strand): 5'-CCCAGCCTGGAAGACCACATACAGGAAACGTAGCCATTCCCCAGGTGACCTCTGTCGAAT[C>G]AAAGCCCCTACCGCCTCTTGCCTTCAAACACACAGTTGGACACATAATACTTTCTGAACA-3'